The following is an entry in ClinVar:

NM_002230.4(JUP):c.805G>C (p.Gly269Arg)

Gene: JUP (junction plakoglobin; minus strand). Cytogenetic location: 17q21.2.
Variant type: single nucleotide variant.
Coding change: c.805G>C on transcript NM_002230.4 (MANE Select); coding-DNA position 805, G replaced by C.
Protein change: p.Gly269Arg; replaces glycine 269 with arginine.
Molecular consequence: missense variant.
Genome position (GRCh38, 1-based): chr17:41,767,483, C>G on the plus strand (G>C on the coding strand, the complement: JUP is on the minus strand). VCF-style: chr17-41767483-C-G. GRCh37 (hg19) VCF-style: chr17-39923735-C-G.
Other names: c.805G>C, p.Gly269Arg (NM_001352773.2, NM_001352774.2, NM_001352775.2 and 3 more transcripts); short protein forms G269R.
Identifiers: ClinVar variation 2100091 (VCV002100091.4), dbSNP rs1915915013, ClinGen allele CA399501150.

ClinVar aggregate classification (germline): Uncertain significance (1 of 4 stars; one submission).

Conditions:
Arrhythmogenic right ventricular dysplasia 12. Also called: ARRHYTHMOGENIC RIGHT VENTRICULAR DYSPLASIA, FAMILIAL, 12. Identifiers: MedGen C1969081, MONDO:0012684, OMIM 611528.
Naxos disease (NXD). Also called: MAL DE NAXOS; PALMOPLANTAR KERATODERMA WITH ARRHYTHMOGENIC RIGHT VENTRICULAR CARDIOMYOPATHY AND WOOLLY HAIR; WOOLLY HAIR, PALMOPLANTAR KERATODERMA, AND CARDIAC ABNORMALITIES; CARDIOMYOPATHY, ARRHYTHMOGENIC RIGHT VENTRICULAR, WITH SKIN, HAIR, AND NAIL ABNORMALITIES; KERATOSIS PALMOPLANTARIS WITH ARRHYTHMOGENIC CARDIOMYOPATHY. Identifiers: Orphanet 34217, MedGen C1832600, MONDO:0011017, OMIM 601214.

Submission:

Labcorp Genetics (formerly Invitae), Labcorp
Classification: Uncertain significance for Arrhythmogenic right ventricular dysplasia 12; Naxos disease. Last evaluated: 2022-02-20. Review status: criteria provided, single submitter. Criteria: Invitae Variant Classification Sherloc (09022015). Collection method: clinical testing. Allele origin: germline.
Comment: Algorithms developed to predict the effect of missense changes on protein structure and function are either unavailable or do not agree on the potential impact of this missense change (SIFT: "Tolerated"; PolyPhen-2: "Probably Damaging"; Align-GVGD: "Class C0"). This variant has not been reported in the literature in individuals affected with JUP-related conditions. This variant is not present in population databases (gnomAD no frequency). This sequence change replaces glycine, which is neutral and non-polar, with arginine, which is basic and polar, at codon 269 of the JUP protein (p.Gly269Arg). In summary, the available evidence is currently insufficient to determine the role of this variant in disease. Therefore, it has been classified as a Variant of Uncertain Significance.